The following is an entry in ClinVar:

NC_000022.10:g.(?_32150908)_(32164869_?)del

Gene: DEPDC5 (DEP domain containing 5, GATOR1 subcomplex subunit; plus strand). Cytogenetic location: 22q12.2.
Variant type: Deletion.
Identifiers: ClinVar variation 2424004 (VCV002424004.3).

ClinVar aggregate classification (germline): Pathogenic (1 of 4 stars; one submission).

Conditions:
Familial focal epilepsy with variable foci (FPEVF). Identifiers: Orphanet 98820, MedGen C1858477, MONDO:0020310.

Submission:

Labcorp Genetics (formerly Invitae), Labcorp
Classification: Pathogenic for Familial focal epilepsy with variable foci. Last evaluated: 2022-03-19. Review status: criteria provided, single submitter. Criteria: Invitae Variant Classification Sherloc (09022015). Collection method: clinical testing. Allele origin: germline.
Comment: This variant is a gross deletion of the genomic region encompassing exon(s) 2-7 of the DEPDC5 gene, which includes the initiator codon. This deletion extends beyond the assayed region for this gene and therefore may encompass additional genes. It is expected to result in an absent or disrupted protein product. Loss-of-function variants in DEPDC5 are known to be pathogenic (PMID: 23542697, 23542701). This variant has not been reported in the literature in individuals affected with DEPDC5-related conditions. For these reasons, this variant has been classified as Pathogenic.

Literature cited by the submitters: PubMed 23542697; PubMed 23542701.